The following is an entry in ClinVar:

ClinVar aggregate classification (germline): Uncertain significance (1 of 4 stars; one submission).

Conditions:
Hereditary cancer-predisposing syndrome. Also called: Neoplastic Syndromes, Hereditary; Tumor predisposition; Hereditary Cancer Syndrome; Hereditary neoplastic syndrome. Identifiers: Orphanet 140162, MedGen C0027672, MeSH D009386, MONDO:0015356.

Submission:

Ambry Genetics
Classification: Uncertain significance for Hereditary cancer-predisposing syndrome. Last evaluated: 2019-01-25. Review status: criteria provided, single submitter. Criteria: Ambry Variant Classification Scheme 2023. Collection method: clinical testing. Allele origin: germline.
Comment: The p.G1138E variant (also known as c.3413G>A), located in coding exon 5 of the MSH6 gene, results from a G to A substitution at nucleotide position 3413. The glycine at codon 1138 is replaced by glutamic acid, an amino acid with similar properties. This amino acid position is highly conserved in available vertebrate species. In addition, this alteration is predicted to be deleterious by in silico analysis. In addition, the CoDP in silico tool predicts this alteration to likely have an impact on molecular function, with a score of 0.999 (Terui H et al. J. Biomed. Sci. 2013 Apr;20:25). Since supporting evidence is limited at this time, the clinical significance of this alteration remains unclear.

Literature cited by the submitters: PubMed 28528517.

NM_000179.3(MSH6):c.3413G>A (p.Gly1138Glu)

Gene: MSH6 (mutS homolog 6; plus strand). Cytogenetic location: 2p16.3.
Variant type: single nucleotide variant.
Coding change: c.3413G>A on transcript NM_000179.3 (MANE Select); coding-DNA position 3413, G replaced by A.
Protein change: p.Gly1138Glu; replaces glycine 1138 with glutamic acid.
Molecular consequence: missense variant.
Genome position (GRCh38, 1-based): chr2:47,803,660, G>A. VCF-style: chr2-47803660-G-A. GRCh37 (hg19) VCF-style: chr2-48030799-G-A.
Other names: c.3023G>A, p.Gly1008Glu (NM_001281492.2); c.2507G>A, p.Gly836Glu (NM_001281493.2, NM_001281494.2, NM_001406811.1 and 6 more transcripts); c.3509G>A, p.Gly1170Glu (NM_001406795.1, NM_001406802.1); c.3413G>A, p.Gly1138Glu (NM_001406796.1, NM_001406800.1, NM_001406808.1 and 1 more transcripts); c.3116G>A, p.Gly1039Glu (NM_001406797.1, NM_001406801.1, NM_001406805.1 and 10 more transcripts); c.3239G>A, p.Gly1080Glu (NM_001406798.1); c.2888G>A, p.Gly963Glu (NM_001406799.1, NM_001406806.1, NM_001406807.1); c.2549G>A, p.Gly850Glu (NM_001406803.1); and 7 more; short protein forms G1138E, G453E, G616E, G850E, G963E, G1039E, G1140E, G1170E.
Identifiers: ClinVar variation 1731191 (VCV001731191.2), dbSNP rs2104485437, ClinGen allele CA346758909.